The following is an entry in ClinVar:

ClinVar aggregate classification (germline): Uncertain significance (1 of 4 stars; one submission).

Allele frequency attached by ClinVar (database versions not stated): ExAC 0.00001.
gnomAD v4.1: 7 of 1,614,146 alleles (0.00043%); highest among the groups gnomAD compares: Non-Finnish European, 0.00059%; no homozygotes.

Submission:

GeneDx
Classification: Uncertain significance. Last evaluated: 2022-05-02. Review status: criteria provided, single submitter. Criteria: GeneDx Variant Classification Process June 2021. Collection method: clinical testing. Allele origin: germline. Affected: yes.
Comment: Not observed at significant frequency in large population cohorts (gnomAD); In silico analysis supports that this missense variant does not alter protein structure/function; Has not been previously published as pathogenic or benign to our knowledge

NM_153766.3(KCNJ1):c.920C>A (p.Ala307Asp)

Gene: KCNJ1 (potassium inwardly rectifying channel subfamily J member 1; minus strand). Cytogenetic location: 11q24.3.
Variant type: single nucleotide variant.
Coding change: c.920C>A on transcript NM_153766.3 (MANE Select); coding-DNA position 920, C replaced by A.
Protein change: p.Ala307Asp; replaces alanine 307 with aspartic acid.
Molecular consequence: missense variant.
Genome position (GRCh38, 1-based): chr11:128,839,324, G>T on the plus strand (C>A on the coding strand, the complement: KCNJ1 is on the minus strand). VCF-style: chr11-128839324-G-T. GRCh37 (hg19) VCF-style: chr11-128709219-G-T.
Other names: c.977C>A, p.Ala326Asp (NM_000220.6); c.920C>A, p.Ala307Asp (NM_153764.3, NM_153767.4); c.971C>A, p.Ala324Asp (NM_153765.3); short protein forms A307D, A324D, A326D.
Identifiers: ClinVar variation 1723052 (VCV001723052.2), dbSNP rs771642053, ClinGen allele CA6357417.